The following is an entry in ClinVar:

ClinVar aggregate classification (germline): Likely benign. Review status: criteria provided, single submitter (1 of 4 stars). 2 submissions from 2 submitters: Likely benign (1). 1 of the submissions does not count toward it. Last evaluated 2017-11-14.

Conditions:
EHHADH-related disorder. Also called: EHHADH-related condition.

Allele frequency attached by ClinVar (database versions not stated): gnomAD exomes 0.00010 and 0.00024; gnomAD 0.00016; TOPMed 0.00016; ExAC 0.00019.
gnomAD v4.1: 192 of 1,611,446 alleles (0.012%); highest among the groups gnomAD compares: Non-Finnish European, 0.0017%; no homozygotes.

Submissions (2):

Eurofins Ntd Llc (ga)
Classification: Likely benign. Last evaluated: 2017-11-14. Review status: criteria provided, single submitter. Criteria: EGL Classification Definitions 2015. Collection method: clinical testing. Allele origin: germline. Observed: 1 variant allele, 1 heterozygote.

PreventionGenetics, part of Exact Sciences
Classification: Likely benign for EHHADH-related condition. Last evaluated: 2019-08-11. Review status: no assertion criteria provided. Collection method: clinical testing. Allele origin: germline. Not counted in ClinVar's aggregate classification.
Comment: This variant is classified as likely benign based on ACMG/AMP sequence variant interpretation guidelines (Richards et al. 2015 PMID: 25741868, with internal and published modifications).

NM_001966.4(EHHADH):c.1194T>C (p.Ala398=)

Gene: EHHADH (enoyl-CoA hydratase and 3-hydroxyacyl CoA dehydrogenase; minus strand). Cytogenetic location: 3q27.2.
Variant type: single nucleotide variant.
Coding change: c.1194T>C on transcript NM_001966.4 (MANE Select); coding-DNA position 1194, T replaced by C.
Protein change: p.Ala398=; no amino-acid change (alanine 398 retained).
Molecular consequence: synonymous variant.
Genome position (GRCh38, 1-based): chr3:185,193,204, A>G on the plus strand (T>C on the coding strand, the complement: EHHADH is on the minus strand). VCF-style: chr3-185193204-A-G. GRCh37 (hg19) VCF-style: chr3-184910992-A-G.
Other names: c.906T>C, p.Ala302= (NM_001166415.2); c.1194T>C (NM_001966.3).
Identifiers: ClinVar variation 595004 (VCV000595004.7), dbSNP rs200339151, ClinGen allele CA2739019.